The following is an entry in ClinVar:

ClinVar aggregate classification (germline): Uncertain significance (1 of 4 stars; one submission).

Allele frequency attached by ClinVar (database versions not stated): ExAC 0.00008; ESP Exome Variant Server 0.00025; gnomAD 0.00034; TOPMed 0.00038; 1000 Genomes Project 0.00040; 1000 Genomes Project 30x 0.00047.
gnomAD v4.1: 87 of 1,611,728 alleles (0.0054%); highest among the groups gnomAD compares: African/African-American, 0.095%; no homozygotes.

Submission:

GeneDx
Classification: Uncertain significance. Last evaluated: 2026-08-06. Review status: criteria provided, single submitter. Criteria: GeneDx Variant Classification Process June 2021. Collection method: clinical testing. Allele origin: germline.
Comment: In silico analysis suggests that this missense variant does not alter protein structure/function; Has not been previously published as pathogenic or benign to our knowledge

NM_001042603.3(KDM5A):c.4463G>C (p.Ser1488Thr)

Gene: KDM5A (lysine demethylase 5A; minus strand). Cytogenetic location: 12p13.33.
Variant type: single nucleotide variant.
Coding change: c.4463G>C on transcript NM_001042603.3 (MANE Select); coding-DNA position 4463, G replaced by C.
Protein change: p.Ser1488Thr; replaces serine 1488 with threonine.
Molecular consequence: missense variant.
Genome position (GRCh38, 1-based): chr12:293,162, C>G on the plus strand (G>C on the coding strand, the complement: KDM5A is on the minus strand). VCF-style: chr12-293162-C-G. GRCh37 (hg19) VCF-style: chr12-402328-C-G.
Other names: short protein forms S1488T.
Identifiers: ClinVar variation 2576949 (VCV002576949.2), dbSNP rs371512709, ClinGen allele CA6378549.
Genomic context (GRCh38, chr12:293,162, plus strand): 5'-CGTTTCCGTTTCTTCTCTGAAGAGTCCTTTCCTTTCACTTTTAGTGGTTTCTCTTCCATG[C>G]TGTCATCCTTCAAAAATATAAATTTAGGAACAATTTTAAAGCAAGACAGTTAAAAAACAG-3'
Protein context (NP_001036068.1, residues 1478-1498): DRFLHIMEDD[Ser1488Thr]MEEKPLKVKG